The following is an entry in ClinVar:

ClinVar aggregate classification (germline): Conflicting classifications of pathogenicity. Review status: criteria provided, conflicting classifications (1 of 4 stars). 5 submissions from 5 submitters: Uncertain significance (3); Likely benign (2). Last evaluated 2025-03-24.

Conditions:
ARFGEF2-related disorder. Also called: ARFGEF2-related condition.

Allele frequency attached by ClinVar (database versions not stated): TOPMed 0.00002; ExAC 0.00008.
gnomAD v4.1: 17 of 1,608,496 alleles (0.0011%); highest among the groups gnomAD compares: Admixed American, 0.028%; no homozygotes.

Submissions (5):

Mayo Clinic Laboratories, Mayo Clinic
Classification: Likely benign. Last evaluated: 2025-03-24. Review status: criteria provided, single submitter. Criteria: ACMG Guidelines, 2015. Collection method: clinical testing. Allele origin: germline. Observed: 1 variant allele.
Comment: BP4, BP7

PreventionGenetics, part of Exact Sciences
Classification: Likely benign for ARFGEF2-related condition. Last evaluated: 2025-03-08. Review status: criteria provided, single submitter. Criteria: ACMG Guidelines, 2015. Collection method: clinical testing. Allele origin: germline.
Comment: This variant is classified as likely benign based on ACMG/AMP sequence variant interpretation guidelines (Richards et al. 2015 PMID: 25741868, with internal and published modifications).

Labcorp Genetics (formerly Invitae), Labcorp
Classification: Uncertain significance. Last evaluated: 2022-09-07. Review status: criteria provided, single submitter. Criteria: Invitae Variant Classification Sherloc (09022015). Collection method: clinical testing. Allele origin: germline.
Comment: This sequence change falls in intron 34 of the ARFGEF2 gene. It does not directly change the encoded amino acid sequence of the ARFGEF2 protein. It affects a nucleotide within the consensus splice site. This variant is present in population databases (rs768990826, gnomAD 0.04%). This variant has not been reported in the literature in individuals affected with ARFGEF2-related conditions. ClinVar contains an entry for this variant (Variation ID: 434290). Variants that disrupt the consensus splice site are a relatively common cause of aberrant splicing (PMID: 17576681, 9536098). Algorithms developed to predict the effect of sequence changes on RNA splicing suggest that this variant is not likely to affect RNA splicing. In summary, the available evidence is currently insufficient to determine the role of this variant in disease. Therefore, it has been classified as a Variant of Uncertain Significance.

Athena Diagnostics
Classification: Uncertain significance. Last evaluated: 2018-07-09. Review status: criteria provided, single submitter. Criteria: Athena Diagnostics Criteria. Collection method: clinical testing. Allele origin: germline.

Genetic Services Laboratory, University of Chicago
Classification: Uncertain significance. Last evaluated: 2015-12-03. Review status: criteria provided, single submitter. Criteria: ACMG Guidelines, 2015. Collection method: clinical testing. Allele origin: germline. Affected: no.

Literature cited by the submitters: PubMed 17576681 (cited by Labcorp Genetics (formerly Invitae), Labcorp); PubMed 9536098 (cited by Labcorp Genetics (formerly Invitae), Labcorp).

NM_006420.3(ARFGEF2):c.4624+6G>T

Gene: ARFGEF2 (ARF guanine nucleotide exchange factor 2; plus strand). Cytogenetic location: 20q13.13.
Variant type: single nucleotide variant.
Coding change: c.4624+6G>T on transcript NM_006420.3 (MANE Select); 6 bases into the intron after coding-DNA position 4624, G replaced by T.
Molecular consequence: intron variant.
Genome position (GRCh38, 1-based): chr20:49,019,004, G>T. VCF-style: chr20-49019004-G-T. GRCh37 (hg19) VCF-style: chr20-47635541-G-T.
Other names: p.?.
Identifiers: ClinVar variation 434290 (VCV000434290.11), dbSNP rs768990826, ClinGen allele CA9899271.
Genomic context (GRCh38, chr20:49,019,004, plus strand): 5'-CAGAGCCAGCTCTCTAACCCAACAGATGACAGCTGGAAGGGTAGACCATACGCAAGTAAG[G>T]CCACTTTTTAATTTGTTTTAAATAAGTAACATGTTTATGTGATTCATATATTCAGAAGGC-3'